The following is an entry in ClinVar:

ClinVar aggregate classification (germline): Likely benign. Review status: criteria provided, multiple submitters, no conflicts (2 of 4 stars). 2 submissions from 2 submitters: Likely benign (2). Last evaluated 2022-11-01.

Conditions:
Neutropenia, severe congenital, 1, autosomal dominant. Identifiers: MedGen C1859966, MONDO:0042490, OMIM 202700.
Cyclical neutropenia. Also called: Cyclic Neutropenia; Cyclic hematopoiesis. Identifiers: Orphanet 2686, MedGen C0221023, MONDO:0008090, OMIM 162800, HP:0040289. Disease mechanism: loss of function.

Allele frequency attached by ClinVar (database versions not stated): ExAC 0.00001; TOPMed below 0.00001.
gnomAD v4.1: 1 of 1,611,578 alleles (0.000062%); highest among the groups gnomAD compares: Non-Finnish European, 0.000085%; no homozygotes.

Submissions (2):

Labcorp Genetics (formerly Invitae), Labcorp
Classification: Likely benign for Neutropenia, severe congenital, 1, autosomal dominant; Cyclical neutropenia. Last evaluated: 2022-11-01. Review status: criteria provided, single submitter. Criteria: Invitae Variant Classification Sherloc (09022015). Collection method: clinical testing. Allele origin: germline.

GeneDx
Classification: Likely benign. Last evaluated: 2018-02-21. Review status: criteria provided, single submitter. Criteria: GeneDx Variant Classification (06012015). Collection method: clinical testing. Allele origin: germline. Affected: yes.
Comment: This variant is considered likely benign or benign based on one or more of the following criteria: it is a conservative change, it occurs at a poorly conserved position in the protein, it is predicted to be benign by multiple in silico algorithms, and/or has population frequency not consistent with disease.

NM_001972.4(ELANE):c.36C>A (p.Leu12=)

Gene: ELANE (elastase, neutrophil expressed; plus strand). Cytogenetic location: 19p13.3.
Variant type: single nucleotide variant.
Coding change: c.36C>A on transcript NM_001972.4 (MANE Select); coding-DNA position 36, C replaced by A.
Protein change: p.Leu12=; no amino-acid change (leucine 12 retained).
Molecular consequence: synonymous variant.
Genome position (GRCh38, 1-based): chr19:852,364, C>A. VCF-style: chr19-852364-C-A. GRCh37 (hg19) VCF-style: chr19-852364-C-A.
Other names: c.36C>A (LRG_57t1).
Identifiers: ClinVar variation 508375 (VCV000508375.9), dbSNP rs751186012, ClinGen allele CA9025904.
Genomic context (GRCh38, chr19:852,364, plus strand): 5'-GAGACCCCGGAGCCCCAGCCCCACCATGACCCTCGGCCGCCGACTCGCGTGTCTTTTCCT[C>A]GCCTGTGTCCTGCCGGCCTTGCTGCTGGGGGGTGAGTTTTTGAGTCCAACCTCCCGCTGC-3'
Protein context (NP_001963.1, residues 2-22): TLGRRLACLF[Leu12=]ACVLPALLLG